The following is an entry in ClinVar:

ClinVar aggregate classification (germline): Uncertain significance. Review status: criteria provided, multiple submitters, no conflicts (2 of 4 stars). 2 submissions from 2 submitters: Uncertain significance (2). Last evaluated 2025-08-13.

Conditions:
Inborn genetic diseases. Identifiers: MedGen C0950123, MeSH D030342.

Allele frequency attached by ClinVar (database versions not stated): gnomAD exomes below 0.00001; TOPMed 0.00001.
gnomAD v4.1: 6 of 1,614,118 alleles (0.00037%); highest among the groups gnomAD compares: Non-Finnish European, 0.00042%; no homozygotes.

Submissions (2):

Ambry Genetics
Classification: Uncertain significance for Inborn genetic diseases. Last evaluated: 2025-08-13. Review status: criteria provided, single submitter. Criteria: Ambry Variant Classification Scheme 2023. Collection method: clinical testing. Allele origin: germline.

Labcorp Genetics (formerly Invitae), Labcorp
Classification: Uncertain significance. Last evaluated: 2021-12-15. Review status: criteria provided, single submitter. Criteria: Invitae Variant Classification Sherloc (09022015). Collection method: clinical testing. Allele origin: germline.
Comment: Algorithms developed to predict the effect of missense changes on protein structure and function (SIFT, PolyPhen-2, Align-GVGD) all suggest that this variant is likely to be tolerated. This sequence change replaces methionine, which is neutral and non-polar, with threonine, which is neutral and polar, at codon 564 of the TTLL5 protein (p.Met564Thr). This variant is not present in population databases (gnomAD no frequency). This variant has not been reported in the literature in individuals affected with TTLL5-related conditions. In summary, the available evidence is currently insufficient to determine the role of this variant in disease. Therefore, it has been classified as a Variant of Uncertain Significance.

NM_015072.5(TTLL5):c.1691T>C (p.Met564Thr)

Gene: TTLL5 (tubulin tyrosine ligase like 5; plus strand). Cytogenetic location: 14q24.3.
Variant type: single nucleotide variant.
Coding change: c.1691T>C on transcript NM_015072.5 (MANE Select); coding-DNA position 1691, T replaced by C.
Protein change: p.Met564Thr; replaces methionine 564 with threonine.
Molecular consequence: missense variant.
Genome position (GRCh38, 1-based): chr14:75,764,755, T>C. VCF-style: chr14-75764755-T-C. GRCh37 (hg19) VCF-style: chr14-76231098-T-C.
Other names: c.1691T>C (NM_015072.4); short protein forms M564T.
Identifiers: ClinVar variation 1916875 (VCV001916875.6), dbSNP rs1237155349, ClinGen allele CA390466504.